The following is an entry in ClinVar:

NM_000359.3(TGM1):c.890del (p.Val297fs)

Gene: TGM1 (transglutaminase 1; minus strand). Cytogenetic location: 14q12.
Variant type: Deletion.
Coding change: c.890del on transcript NM_000359.3 (MANE Select); coding-DNA position 890, one base deleted (T; older notation c.890delT).
Protein change: p.Val297fs; shifts the reading frame from valine 297.
Molecular consequence: frameshift variant.
Genome position (GRCh38, 1-based): chr14:24,259,798, A deleted on the plus strand (T on the coding strand, the reverse complement: TGM1 is on the minus strand). VCF-style (leftmost placement, unchanged base first): chr14-24259797-CA-C. GRCh37 (hg19) VCF-style: chr14-24729003-CA-C.
Other names: short protein forms V297fs.
Identifiers: ClinVar variation 1428647 (VCV001428647.6), dbSNP rs2139025081, ClinGen allele CA2573149813.

ClinVar aggregate classification (germline): Pathogenic (1 of 4 stars; one submission).

Submission:

Labcorp Genetics (formerly Invitae), Labcorp
Classification: Pathogenic. Last evaluated: 2021-11-24. Review status: criteria provided, single submitter. Criteria: Invitae Variant Classification Sherloc (09022015). Collection method: clinical testing. Allele origin: germline.
Comment: For these reasons, this variant has been classified as Pathogenic. This variant has not been reported in the literature in individuals affected with TGM1-related conditions. This variant is not present in population databases (gnomAD no frequency). This sequence change creates a premature translational stop signal (p.Val297Glyfs*33) in the TGM1 gene. It is expected to result in an absent or disrupted protein product. Loss-of-function variants in TGM1 are known to be pathogenic (PMID: 18948357, 19241467).

Literature cited by the submitters: PubMed 18948357; PubMed 19241467.